The following is an entry in ClinVar:

NM_004006.3(DMD):c.94-164_94-161del

Gene: DMD (dystrophin; minus strand). Cytogenetic location: Xp21.1.
Variant type: Deletion.
Coding change: c.94-164_94-161del on transcript NM_004006.3 (MANE Select); 164 bases into the intron before coding-DNA position 94 through 161 bases into the intron before coding-DNA position 94, 4 bases deleted (TTTT; older notation c.94-164_94-161delTTTT).
Molecular consequence: intron variant.
Genome position (GRCh38, 1-based): chrX:32,849,981-32,849,984, AAAA deleted on the plus strand (TTTT on the coding strand, the reverse complement: DMD is on the minus strand); deleting any 4 consecutive bases within chrX:32,849,981-32,849,988 gives the same sequence; the c. name uses the placement nearest the transcript's 3' end. VCF-style (leftmost placement, unchanged base first): chrX-32849980-CAAAA-C. GRCh37 (hg19) VCF-style: chrX-32868097-CAAAA-C.
Other names: c.70-164_70-161del (NM_000109.4); c.82-164_82-161del (NM_004009.3); c.-276-164_-276-161del (NM_004010.3).
Identifiers: ClinVar variation 675984 (VCV000675984.1), dbSNP rs369976296, ClinGen allele CA328578658.

ClinVar aggregate classification (germline): Benign (1 of 4 stars; one submission).

Submission:

GeneDx
Classification: Benign. Last evaluated: 2018-06-14. Review status: criteria provided, single submitter. Criteria: GeneDx Variant Classification (06012015). Collection method: clinical testing. Allele origin: germline. Affected: yes.
Comment: This variant is considered likely benign or benign based on one or more of the following criteria: it is a conservative change, it occurs at a poorly conserved position in the protein, it is predicted to be benign by multiple in silico algorithms, and/or has population frequency not consistent with disease.